The following is an entry in ClinVar:

NM_001322934.2(NFKB2):c.1179C>A (p.Gly393=)

Genes: NFKB2 (nuclear factor kappa B subunit 2; plus strand), LOC130004599 (ATAC-STARR-seq lymphoblastoid silent region 2756; plus strand). Cytogenetic location: 10q24.32.
Variant type: single nucleotide variant.
Coding change: c.1179C>A on transcript NM_001322934.2 (MANE Select); coding-DNA position 1179, C replaced by A.
Protein change: p.Gly393=; no amino-acid change (glycine 393 retained).
Molecular consequence: synonymous variant.
Genome position (GRCh38, 1-based): chr10:102,399,349, C>A. VCF-style: chr10-102399349-C-A. GRCh37 (hg19) VCF-style: chr10-104159106-C-A.
Other names: c.1179C>A, p.Gly393= (NM_001077493.1, NM_001077494.3, NM_001261403.3 and 2 more transcripts); c.1053C>A, p.Gly351= (NM_001322935.1).
Identifiers: ClinVar variation 2640791 (VCV002640791.24), dbSNP rs1450555490, ClinGen allele CA471245000.
Genomic context (GRCh38, chr10:102,399,349, plus strand): 5'-TGGCAGCCTCGGTTTCTTCCCCTCCTCCCTGGCCTACAGCCCCTACCAGTCCGGCGCGGG[C>A]CCCATGGGCTGCTACCCGGGAGGCGGGGGCGGGGCGCAGATGGCCGCCACGGTGCCCAGC-3'
Protein context (NP_001309863.1, residues 383-403): LAYSPYQSGA[Gly393=]PMGCYPGGGG

ClinVar aggregate classification (germline): Likely benign (1 of 4 stars; one submission).

Submission:

CeGaT Center for Human Genetics Tuebingen
Classification: Likely benign. Last evaluated: 2022-08-01. Review status: criteria provided, single submitter. Criteria: CeGaT Center For Human Genetics Tuebingen Variant Classification Criteria Version 2. Collection method: clinical testing. Allele origin: germline. Affected: yes. Observed: 1 variant allele.
Comment: NFKB2: PM2:Supporting, BP4, BP7